The following is an entry in ClinVar:

NM_001394372.1(BICRA):c.2037G>C (p.Leu679=)

Gene: BICRA (BRD4 interacting chromatin remodeling complex associated protein; plus strand). Cytogenetic location: 19q13.33.
Variant type: single nucleotide variant.
Coding change: c.2037G>C on transcript NM_001394372.1 (MANE Select); coding-DNA position 2037, G replaced by C.
Protein change: p.Leu679=; no amino-acid change (leucine 679 retained).
Molecular consequence: synonymous variant.
Genome position (GRCh38, 1-based): chr19:47,681,207, G>C. VCF-style: chr19-47681207-G-C. GRCh37 (hg19) VCF-style: chr19-48184464-G-C.
Other names: c.2037G>C, p.Leu679= (NM_015711.3).
Identifiers: ClinVar variation 2672777 (VCV002672777.23), dbSNP rs777447952, ClinGen allele CA508258253.
Genomic context (GRCh38, chr19:47,681,207, plus strand): 5'-TCAGGCCACCACCCCCCAGCCCAGCCCTGGCCTGGCGTCTAGCCCGGAGAAGATCGTCCT[G>C]GGGCAGCCGCCCTCTGCCACCCCCACGGCCATCCTCACTCAGGACTCCCTGCAGATGTTC-3'
Protein context (NP_001381301.1, residues 669-689): GLASSPEKIV[Leu679=]GQPPSATPTA

ClinVar aggregate classification (germline): Likely benign (1 of 4 stars; one submission).

Submission:

CeGaT Center for Human Genetics Tuebingen
Classification: Likely benign. Last evaluated: 2023-11-01. Review status: criteria provided, single submitter. Criteria: CeGaT Center For Human Genetics Tuebingen Variant Classification Criteria Version 2. Collection method: clinical testing. Allele origin: germline. Affected: yes. Observed: 1 variant allele.
Comment: BICRA: PM2:Supporting, BP4, BP7